The following is an entry in ClinVar:

NM_000321.3(RB1):c.776G>C (p.Arg259Thr)

Gene: RB1 (RB transcriptional corepressor 1; plus strand). Cytogenetic location: 13q14.2.
Variant type: single nucleotide variant.
Coding change: c.776G>C on transcript NM_000321.3 (MANE Select); coding-DNA position 776, G replaced by C.
Protein change: p.Arg259Thr; replaces arginine 259 with threonine.
Molecular consequence: missense variant.
Genome position (GRCh38, 1-based): chr13:48,362,872, G>C. VCF-style: chr13-48362872-G-C. GRCh37 (hg19) VCF-style: chr13-48937008-G-C.
Other names: c.776G>C, p.Arg259Thr (NM_001407165.1, NM_001407166.1); short protein forms R259T.
Identifiers: ClinVar variation 3013139 (VCV003013139.4), dbSNP rs2138112390, ClinGen allele CA388159399.
Genomic context (GRCh38, chr13:48,362,872, plus strand): 5'-CAGAAACAGCTGTTATACCCATTAATGGTTCACCTCGAACACCCAGGCGAGGTCAGAACA[G>C]GAGTGCACGGATAGCAAAACAACTAGAAAATGATACAAGAATTATTGAAGTTCTCTGTAA-3'
Protein context (NP_000312.2, residues 249-269): SPRTPRRGQN[Arg259Thr]SARIAKQLEN

ClinVar aggregate classification (germline): Uncertain significance. Review status: criteria provided, multiple submitters, no conflicts (2 of 4 stars). 2 submissions from 2 submitters: Uncertain significance (2). Last evaluated 2024-02-22.

Conditions:
Retinoblastoma (RB1). Also called: RETINOBLASTOMA, SOMATIC. Identifiers: Orphanet 790, MedGen C0035335, MeSH D012175, MONDO:0008380, OMIM 180200, HP:0009919. Disease mechanism: loss of function. Inheritance: Both sporadic and heritable forms are tested..

Submissions (2):

All of Us Research Program, National Institutes of Health
Classification: Uncertain significance for Retinoblastoma. Last evaluated: 2024-02-22. Review status: criteria provided, single submitter. Criteria: ACMG Guidelines, 2015. Collection method: clinical testing. Allele origin: germline. Inheritance: Autosomal dominant inheritance. Observed: 1 variant allele, 1 heterozygote.
Comment: This missense variant replaces arginine with threonine at codon 259 of the RB1 protein. Computational prediction is inconclusive regarding the impact of this variant on protein structure and function (internally defined REVEL score threshold 0.5 < inconclusive < 0.7, PMID: 27666373). To our knowledge, functional studies have not been reported for this variant. This variant has not been reported in individuals affected with RB1-related disorders in the literature. This variant has not been identified in the general population by the Genome Aggregation Database (gnomAD). The available evidence is insufficient to determine the role of this variant in disease conclusively. Therefore, this variant is classified as a Variant of Uncertain Significance.

This study involves interpretation of variants in research participants for the purpose of population health screening. Participant phenotype was not available at the time of variant classification. Additional details can be found in publication PMID: 35346344, PMCID: PMC8962531

Labcorp Genetics (formerly Invitae), Labcorp
Classification: Uncertain significance for Retinoblastoma. Last evaluated: 2023-08-27. Review status: criteria provided, single submitter. Criteria: Invitae Variant Classification Sherloc (09022015). Collection method: clinical testing. Allele origin: germline.
Comment: This sequence change replaces arginine, which is basic and polar, with threonine, which is neutral and polar, at codon 259 of the RB1 protein (p.Arg259Thr). This variant is not present in population databases (gnomAD no frequency). This variant has not been reported in the literature in individuals affected with RB1-related conditions. Advanced modeling of protein sequence and biophysical properties (such as structural, functional, and spatial information, amino acid conservation, physicochemical variation, residue mobility, and thermodynamic stability) has been performed at Invitae for this missense variant, however the output from this modeling did not meet the statistical confidence thresholds required to predict the impact of this variant on RB1 protein function. In summary, the available evidence is currently insufficient to determine the role of this variant in disease. Therefore, it has been classified as a Variant of Uncertain Significance.